The following is an entry in ClinVar:

ClinVar aggregate classification (germline): Uncertain significance (1 of 4 stars; one submission).

Allele frequency attached by ClinVar (database versions not stated): TOPMed below 0.00001; gnomAD 0.00001; gnomAD exomes 0.00001.
gnomAD v4.1: 18 of 1,613,676 alleles (0.0011%); highest among the groups gnomAD compares: East Asian, 0.0089%; no homozygotes.

Submission:

Labcorp Genetics (formerly Invitae), Labcorp
Classification: Uncertain significance. Last evaluated: 2023-01-13. Review status: criteria provided, single submitter. Criteria: Invitae Variant Classification Sherloc (09022015). Collection method: clinical testing. Allele origin: germline.
Comment: In summary, the available evidence is currently insufficient to determine the role of this variant in disease. Therefore, it has been classified as a Variant of Uncertain Significance. Algorithms developed to predict the effect of missense changes on protein structure and function output the following: SIFT: "Deleterious"; PolyPhen-2: "Benign"; Align-GVGD: "Class C0". The glutamine amino acid residue is found in multiple mammalian species, which suggests that this missense change does not adversely affect protein function. This variant has not been reported in the literature in individuals affected with IMPG1-related conditions. This variant is not present in population databases (gnomAD no frequency). This sequence change replaces arginine, which is basic and polar, with glutamine, which is neutral and polar, at codon 67 of the IMPG1 protein (p.Arg67Gln).

NM_001563.4(IMPG1):c.200G>A (p.Arg67Gln)

Gene: IMPG1 (interphotoreceptor matrix proteoglycan 1; minus strand). Cytogenetic location: 6q14.1.
Variant type: single nucleotide variant.
Coding change: c.200G>A on transcript NM_001563.4 (MANE Select); coding-DNA position 200, G replaced by A.
Protein change: p.Arg67Gln; replaces arginine 67 with glutamine.
Molecular consequence: missense variant. On other transcripts: intron variant (1).
Genome position (GRCh38, 1-based): chr6:76,041,994, C>T on the plus strand (G>A on the coding strand, the complement: IMPG1 is on the minus strand). VCF-style: chr6-76041994-C-T. GRCh37 (hg19) VCF-style: chr6-76751711-C-T.
Other names: c.68-7207G>A (NM_001282368.2); short protein forms R67Q.
Identifiers: ClinVar variation 2971858 (VCV002971858.3), dbSNP rs1783851679, ClinGen allele CA364829748.
Genomic context (GRCh38, chr6:76,041,994, plus strand): 5'-TTCATGGATTCCTGTGGACAGACTTTAACCCCCGTTGGGAAAAATGCGGATCTTTTTGTT[C>T]GATGCTTTGCCAAATCGAATATTCGTCTCATAGTTGACATTTTGTACATTTTTTCAGTAC-3'
Protein context (NP_001554.2, residues 57-77): MRRIFDLAKH[Arg67Gln]TKRSAFFPTG